The following is an entry in ClinVar:

NM_177438.3(DICER1):c.4526T>C (p.Met1509Thr)

Gene: DICER1 (dicer 1, ribonuclease III; minus strand). Cytogenetic location: 14q32.13.
Variant type: single nucleotide variant.
Coding change: c.4526T>C on transcript NM_177438.3 (MANE Select); coding-DNA position 4526, T replaced by C.
Protein change: p.Met1509Thr; replaces methionine 1509 with threonine.
Molecular consequence: missense variant.
Genome position (GRCh38, 1-based): chr14:95,096,394, A>G on the plus strand (T>C on the coding strand, the complement: DICER1 is on the minus strand). VCF-style: chr14-95096394-A-G. GRCh37 (hg19) VCF-style: chr14-95562731-A-G.
Other names: c.4526T>C, p.Met1509Thr (NM_001195573.1, NM_001271282.3, NM_001291628.2 and 1 more transcripts); c.4526T>C (NM_177438.2); short protein forms M1509T.
Identifiers: ClinVar variation 1060755 (VCV001060755.9), dbSNP rs2139848654, ClinGen allele CA390867953.

ClinVar aggregate classification (germline): Uncertain significance. Review status: criteria provided, multiple submitters, no conflicts (2 of 4 stars). 2 submissions from 2 submitters: Uncertain significance (2). Last evaluated 2024-05-11.

Conditions:
DICER1-related tumor predisposition. Also called: DICER1 syndrome; DICER1-related pleuropulmonary blastoma cancer predisposition syndrome. Identifiers: Orphanet 284343, MedGen C3839822, MONDO:0100216.
Hereditary cancer-predisposing syndrome. Also called: Tumor predisposition; Neoplastic Syndromes, Hereditary; Hereditary Cancer Syndrome; Hereditary neoplastic syndrome. Identifiers: Orphanet 140162, MedGen C0027672, MeSH D009386, MONDO:0015356.

Submissions (2):

Ambry Genetics
Classification: Uncertain significance for Hereditary cancer-predisposing syndrome. Last evaluated: 2024-05-11. Review status: criteria provided, single submitter. Criteria: Ambry Variant Classification Scheme 2023. Collection method: clinical testing. Allele origin: germline.
Comment: The p.M1509T variant (also known as c.4526T>C), located in coding exon 22 of the DICER1 gene, results from a T to C substitution at nucleotide position 4526. The methionine at codon 1509 is replaced by threonine, an amino acid with similar properties. This amino acid position is conserved. In addition, this alteration is predicted to be deleterious by in silico analysis. Based on the available evidence, the clinical significance of this variant remains unclear.

Labcorp Genetics (formerly Invitae), Labcorp
Classification: Uncertain significance for DICER1-related tumor predisposition. Last evaluated: 2022-10-04. Review status: criteria provided, single submitter. Criteria: Invitae Variant Classification Sherloc (09022015). Collection method: clinical testing. Allele origin: germline.
Comment: In summary, the available evidence is currently insufficient to determine the role of this variant in disease. Therefore, it has been classified as a Variant of Uncertain Significance. Algorithms developed to predict the effect of missense changes on protein structure and function are either unavailable or do not agree on the potential impact of this missense change (SIFT: "Tolerated"; PolyPhen-2: "Probably Damaging"; Align-GVGD: "Class C0"). ClinVar contains an entry for this variant (Variation ID: 1060755). This variant has not been reported in the literature in individuals affected with DICER1-related conditions. This variant is not present in population databases (gnomAD no frequency). This sequence change replaces methionine, which is neutral and non-polar, with threonine, which is neutral and polar, at codon 1509 of the DICER1 protein (p.Met1509Thr).